The following is an entry in ClinVar:

NM_033305.3(VPS13A):c.7035del (p.Trp2347fs)

Gene: VPS13A (vacuolar protein sorting 13 homolog A; plus strand). Cytogenetic location: 9q21.2.
Variant type: Deletion.
Coding change: c.7035del on transcript NM_033305.3 (MANE Select); coding-DNA position 7035, one base deleted (C; older notation c.7035delC).
Protein change: p.Trp2347fs; shifts the reading frame from tryptophan 2347.
Molecular consequence: frameshift variant.
Genome position (GRCh38, 1-based): chr9:77,344,161, C deleted; the last of 4 consecutive C bases (chr9:77,344,158-77,344,161); deleting any one gives the same sequence. VCF-style (leftmost placement, unchanged base first): chr9-77344157-TC-T. GRCh37 (hg19) VCF-style: chr9-79959073-TC-T.
Other names: c.6918del, p.Trp2308fs (NM_001018037.2); c.7035del, p.Trp2347fs (NM_001018038.3, NM_015186.4); c.7035delC (NM_033305.2); short protein forms W2308fs, W2347fs.
Identifiers: ClinVar variation 1983557 (VCV001983557.5), dbSNP rs1387660387, ClinGen allele CA588476374.

ClinVar aggregate classification (germline): Pathogenic. Review status: criteria provided, multiple submitters, no conflicts (2 of 4 stars). 2 submissions from 2 submitters: Pathogenic (2). Last evaluated 2025-09-12.

Conditions:
VPS13A-related neurodegenerative disease. Also called: Choreoacanthocytosis; Chorea-acanthocytosis; VPS13A Disease; LEVINE-CRITCHLEY SYNDROME; ACANTHOCYTOSIS WITH NEUROLOGIC DISORDER; Choreaacanthocytosis. Identifiers: Orphanet 2388, MedGen C0393576, MONDO:0008695, OMIM 200150.

Submissions (2):

Natera, Inc.
Classification: Pathogenic for Choreaacanthocytosis. Last evaluated: 2025-09-12. Review status: criteria provided, single submitter. Criteria: Natera Variant Classification Schema (03/2026). Collection method: clinical testing. Allele origin: germline.
Comment: The c.7035delC variant in VPS13A is a frameshift variant predicted to shift the reading frame beginning at codon 2347 and leads to a stop codon 36 codons downstream. This variant is expected to result in nonsense mediated decay, truncation, or a dysfunctional protein product. This variant is rare in the general population with a frequency below the threshold expected for the associated phenotype(s). This variant has been observed in one or more individuals affected with the associated recessive disease, as either homozygous or compound heterozygous with a second variant (PMID: 28003435). Given the available evidence, this variant is classified as Pathogenic.

Labcorp Genetics (formerly Invitae), Labcorp
Classification: Pathogenic. Last evaluated: 2023-08-04. Review status: criteria provided, single submitter. Criteria: Invitae Variant Classification Sherloc (09022015). Collection method: clinical testing. Allele origin: germline.
Comment: For these reasons, this variant has been classified as Pathogenic. ClinVar contains an entry for this variant (Variation ID: 1983557). This variant has not been reported in the literature in individuals affected with VPS13A-related conditions. This variant is present in population databases (no rsID available, gnomAD 0.002%). This sequence change creates a premature translational stop signal (p.Trp2347Glyfs*36) in the VPS13A gene. It is expected to result in an absent or disrupted protein product. Loss-of-function variants in VPS13A are known to be pathogenic (PMID: 12404112, 21598378).

Literature cited by the submitters: PubMed 28003435 (cited by Natera, Inc.); PubMed 12404112 (cited by Labcorp Genetics (formerly Invitae), Labcorp); PubMed 21598378 (cited by Labcorp Genetics (formerly Invitae), Labcorp).